The following is an entry in ClinVar:

ClinVar aggregate classification (germline): Uncertain significance (1 of 4 stars; one submission).

Conditions:
Familial cancer of breast. Also called: BREAST CANCER, FAMILIAL; Hereditary breast cancer; hereditary breast carcinoma. Identifiers: Orphanet 227535, MedGen C0346153, MONDO:0016419, OMIM 114480. Disease mechanism: loss of function.

Submission:

Labcorp Genetics (formerly Invitae), Labcorp
Classification: Uncertain significance for Familial cancer of breast. Last evaluated: 2019-05-27. Review status: criteria provided, single submitter. Criteria: Invitae Variant Classification Sherloc (09022015). Collection method: clinical testing. Allele origin: germline.
Comment: In summary, the available evidence is currently insufficient to determine the role of this variant in disease. Therefore, it has been classified as a Variant of Uncertain Significance. Algorithms developed to predict the effect of missense changes on protein structure and function (SIFT, PolyPhen-2, Align-GVGD) all suggest that this variant is likely to be tolerated, but these predictions have not been confirmed by published functional studies and their clinical significance is uncertain. This variant has not been reported in the literature in individuals with PALB2-related conditions. This variant is not present in population databases (ExAC no frequency). This sequence change replaces lysine with glutamic acid at codon 85 of the PALB2 protein (p.Lys85Glu). The lysine residue is weakly conserved and there is a small physicochemical difference between lysine and glutamic acid.

NM_024675.4(PALB2):c.253A>G (p.Lys85Glu)

Gene: PALB2 (partner and localizer of BRCA2; minus strand). Cytogenetic location: 16p12.2.
Variant type: single nucleotide variant.
Coding change: c.253A>G on transcript NM_024675.4 (MANE Select); coding-DNA position 253, A replaced by G.
Protein change: p.Lys85Glu; replaces lysine 85 with glutamic acid.
Molecular consequence: missense variant.
Genome position (GRCh38, 1-based): chr16:23,636,293, T>C on the plus strand (A>G on the coding strand, the complement: PALB2 is on the minus strand). VCF-style: chr16-23636293-T-C. GRCh37 (hg19) VCF-style: chr16-23647614-T-C.
Other names: short protein forms K85E.
Identifiers: ClinVar variation 851737 (VCV000851737.10), dbSNP rs1967059440, ClinGen allele CA395138901.